The following is an entry in ClinVar:

ClinVar aggregate classification (germline): Uncertain significance. Review status: criteria provided, multiple submitters, no conflicts (2 of 4 stars). 3 submissions from 3 submitters: Uncertain significance (3). Last evaluated 2025-11-20.

Allele frequency attached by ClinVar (database versions not stated): gnomAD 0.00001; TOPMed 0.00002.

Submissions (3):

Ambry Genetics
Classification: Uncertain significance. Last evaluated: 2025-11-20. Review status: criteria provided, single submitter. Criteria: Ambry Variant Classification Scheme 2023. Collection method: clinical testing. Allele origin: germline.

Labcorp Genetics (formerly Invitae), Labcorp
Classification: Uncertain significance. Last evaluated: 2025-01-01. Review status: criteria provided, single submitter. Criteria: Invitae Variant Classification Sherloc (09022015). Collection method: clinical testing. Allele origin: germline.
Comment: This sequence change replaces alanine, which is neutral and non-polar, with proline, which is neutral and non-polar, at codon 47 of the SYNE4 protein (p.Ala47Pro). This variant is not present in population databases (gnomAD no frequency). This variant has not been reported in the literature in individuals affected with SYNE4-related conditions. ClinVar contains an entry for this variant (Variation ID: 2171623). Invitae Evidence Modeling of protein sequence and biophysical properties (such as structural, functional, and spatial information, amino acid conservation, physicochemical variation, residue mobility, and thermodynamic stability) has been performed for this missense variant. However, the output from this modeling did not meet the statistical confidence thresholds required to predict the impact of this variant on SYNE4 protein function. In summary, the available evidence is currently insufficient to determine the role of this variant in disease. Therefore, it has been classified as a Variant of Uncertain Significance.

Blueprint Genetics
Classification: Uncertain significance. Last evaluated: 2024-10-15. Review status: criteria provided, single submitter. Criteria: ACMG Guidelines, 2015. Collection method: clinical testing. Allele origin: germline.

NM_001039876.3(SYNE4):c.139G>C (p.Ala47Pro)

Gene: SYNE4 (spectrin repeat containing nuclear envelope family member 4; minus strand). Cytogenetic location: 19q13.12.
Variant type: single nucleotide variant.
Coding change: c.139G>C on transcript NM_001039876.3 (MANE Select); coding-DNA position 139, G replaced by C.
Protein change: p.Ala47Pro; replaces alanine 47 with proline.
Molecular consequence: missense variant.
Genome position (GRCh38, 1-based): chr19:36,008,357, C>G on the plus strand (G>C on the coding strand, the complement: SYNE4 is on the minus strand). VCF-style: chr19-36008357-C-G. GRCh37 (hg19) VCF-style: chr19-36499259-C-G.
Other names: c.139G>C (NM_001039876.1); c.139G>C, p.Ala47Pro (NM_001297735.3); short protein forms A47P.
Identifiers: ClinVar variation 2171623 (VCV002171623.4), dbSNP rs1247338204, ClinGen allele CA405436357.